The following is an entry in ClinVar:

NM_020975.6(RET):c.1665C>T (p.Phe555=)

Gene: RET (ret proto-oncogene; plus strand). Cytogenetic location: 10q11.21.
Variant type: single nucleotide variant.
Coding change: c.1665C>T on transcript NM_020975.6 (MANE Select); coding-DNA position 1665, C replaced by T.
Protein change: p.Phe555=; no amino-acid change (phenylalanine 555 retained).
Molecular consequence: synonymous variant.
Genome position (GRCh38, 1-based): chr10:43,112,869, C>T. VCF-style: chr10-43112869-C-T. GRCh37 (hg19) VCF-style: chr10-43608317-C-T.
Other names: c.1665C>T, p.Phe555= (NM_000323.2, NM_001406743.1, NM_001406744.1 and 6 more transcripts); c.903C>T, p.Phe301= (NM_001355216.2); c.1536C>T, p.Phe512= (NM_001406761.1, NM_001406762.1, NM_001406764.1 and 1 more transcripts); c.1377C>T, p.Phe459= (NM_001406766.1, NM_001406767.1, NM_001406770.1); c.1269C>T, p.Phe423= (NM_001406769.1, NM_001406772.1); c.1227C>T, p.Phe409= (NM_001406771.1, NM_001406773.1); c.1140C>T, p.Phe380= (NM_001406774.1); c.939C>T, p.Phe313= (NM_001406775.1, NM_001406776.1, NM_001406777.1 and 1 more transcripts); and 5 more.
Identifiers: ClinVar variation 543784 (VCV000543784.15), dbSNP rs761815073, ClinGen allele CA206262015.

ClinVar aggregate classification (germline): Likely benign. Review status: criteria provided, multiple submitters, no conflicts (2 of 4 stars). 3 submissions from 3 submitters: Likely benign (3). Last evaluated 2026-01-14.

Conditions:
Hereditary cancer-predisposing syndrome. Also called: Neoplastic Syndromes, Hereditary; Hereditary Cancer Syndrome; Tumor predisposition; Hereditary neoplastic syndrome. Identifiers: Orphanet 140162, MedGen C0027672, MeSH D009386, MONDO:0015356.
Multiple endocrine neoplasia, type 2 (MEN2). Identifiers: Orphanet 653, MedGen C4048306, MONDO:0019003. Disease mechanism: gain of function.

Allele frequency attached by ClinVar (database versions not stated): gnomAD exomes below 0.00001; TOPMed 0.00001.
gnomAD v4.1: 2 of 1,614,048 alleles (0.00012%); highest among the groups gnomAD compares: Non-Finnish European, 0.00017%; no homozygotes.

Submissions (3):

Labcorp Genetics (formerly Invitae), Labcorp
Classification: Likely benign for Multiple endocrine neoplasia, type 2. Last evaluated: 2026-01-14. Review status: criteria provided, single submitter. Criteria: Invitae Variant Classification Sherloc (09022015). Collection method: clinical testing. Allele origin: germline.

All of Us Research Program, National Institutes of Health
Classification: Likely benign for Multiple endocrine neoplasia, type 2. Last evaluated: 2023-09-05. Review status: criteria provided, single submitter. Criteria: ACMG Guidelines, 2015. Collection method: clinical testing. Allele origin: germline. Inheritance: Autosomal dominant inheritance. Observed: 3 variant alleles, 3 heterozygotes.
Comment: This study involves interpretation of variants in research participants for the purpose of population health screening. Participant phenotype was not available at the time of variant classification. Additional details can be found in publication PMID: 35346344, PMCID: PMC8962531

Ambry Genetics
Classification: Likely benign for Hereditary cancer-predisposing syndrome. Last evaluated: 2019-06-03. Review status: criteria provided, single submitter. Criteria: Ambry Variant Classification Scheme 2023. Collection method: clinical testing. Allele origin: germline.